The following is an entry in ClinVar:

ClinVar aggregate classification (germline): Likely pathogenic (1 of 4 stars; one submission).

Conditions:
Baller-Gerold syndrome (BGS). Also called: CRANIOSYNOSTOSIS WITH RADIAL DEFECTS. Identifiers: Orphanet 1225, MedGen C0265308, MONDO:0009039, OMIM 218600.

Submission:

Dubai Health Genomic Medicine Center, Dubai Health
Classification: Likely pathogenic for Baller-Gerold syndrome. Last evaluated: 2024-10-04. Review status: criteria provided, single submitter. Criteria: ACMG Guidelines, 2015. Collection method: research. Allele origin: germline. Affected: yes.
Comment: PVS1,PM2

NM_004260.4(RECQL4):c.1000G>T (p.Glu334Ter)

Gene: RECQL4 (RecQ like helicase 4; minus strand). Cytogenetic location: 8q24.3.
Variant type: single nucleotide variant.
Coding change: c.1000G>T on transcript NM_004260.4 (MANE Select); coding-DNA position 1000, G replaced by T.
Protein change: p.Glu334Ter; replaces glutamic acid 334 with a stop codon.
Molecular consequence: nonsense. On other transcripts: 5 prime UTR variant (16), non-coding transcript variant (3), intron variant (3).
Genome position (GRCh38, 1-based): chr8:144,516,119, C>A on the plus strand (G>T on the coding strand, the complement: RECQL4 is on the minus strand). VCF-style: chr8-144516119-C-A. GRCh37 (hg19) VCF-style: chr8-145741503-C-A.
Other names: c.1000G>T, p.Glu334Ter (NM_001413018.1, NM_001413019.1, NM_001413033.1 and 2 more transcripts); c.-72G>T (NM_001413021.1, NM_001413022.1, NM_001413023.1 and 7 more transcripts); c.871G>T, p.Glu291Ter (NM_001413025.1); c.-134G>T (NM_001413027.1, NM_001413030.1, NM_001413031.1 and 2 more transcripts); c.649G>T, p.Glu217Ter (NM_001413029.1); c.-341G>T (NM_001413043.1); c.953+47G>T (NM_001413017.1, NM_001413020.1); c.-23+47G>T (NM_001413034.1); short protein forms E217*, E291*, E334*.
Identifiers: ClinVar variation 3384116 (VCV003384116.1).